The following is an entry in ClinVar:

NM_006231.4(POLE):c.1985A>C (p.Asn662Thr)

Gene: POLE (DNA polymerase epsilon, catalytic subunit; minus strand). Cytogenetic location: 12q24.33.
Variant type: single nucleotide variant.
Coding change: c.1985A>C on transcript NM_006231.4 (MANE Select); coding-DNA position 1985, A replaced by C.
Protein change: p.Asn662Thr; replaces asparagine 662 with threonine.
Molecular consequence: missense variant.
Genome position (GRCh38, 1-based): chr12:132,668,676, T>G on the plus strand (A>C on the coding strand, the complement: POLE is on the minus strand). VCF-style: chr12-132668676-T-G. GRCh37 (hg19) VCF-style: chr12-133245262-T-G.
Other names: short protein forms N662T.
Identifiers: ClinVar variation 1345321 (VCV001345321.6), dbSNP rs2135978023, ClinGen allele CA387354933.

ClinVar aggregate classification (germline): Uncertain significance (1 of 4 stars; one submission).

Submission:

Labcorp Genetics (formerly Invitae), Labcorp
Classification: Uncertain significance. Last evaluated: 2021-10-17. Review status: criteria provided, single submitter. Criteria: Invitae Variant Classification Sherloc (09022015). Collection method: clinical testing. Allele origin: germline.
Comment: In summary, the available evidence is currently insufficient to determine the role of this variant in disease. Therefore, it has been classified as a Variant of Uncertain Significance. Algorithms developed to predict the effect of missense changes on protein structure and function (SIFT, PolyPhen-2, Align-GVGD) all suggest that this variant is likely to be tolerated. This variant has not been reported in the literature in individuals affected with POLE-related conditions. This variant is not present in population databases (ExAC no frequency). This sequence change replaces asparagine with threonine at codon 662 of the POLE protein (p.Asn662Thr). The asparagine residue is weakly conserved and there is a small physicochemical difference between asparagine and threonine.